The following is an entry in ClinVar:

ClinVar aggregate classification (germline): Conflicting classifications of pathogenicity. Review status: criteria provided, conflicting classifications (1 of 4 stars). 5 submissions from 5 submitters: Uncertain significance (4); Likely benign (1). Last evaluated 2023-09-07.

Conditions:
Hereditary cancer-predisposing syndrome. Also called: Neoplastic Syndromes, Hereditary; Hereditary Cancer Syndrome; Tumor predisposition; Hereditary neoplastic syndrome. Identifiers: Orphanet 140162, MedGen C0027672, MeSH D009386, MONDO:0015356.
Hereditary breast ovarian cancer syndrome. Also called: Hereditary breast and ovarian cancer syndrome; Hereditary breast and ovarian cancer syndrome (HBOC); Hereditary breast and/or ovarian cancer syndrome; Hereditary breast and ovarian cancer; Breast and ovarian cancer; BRCA1- and BRCA2-Associated Hereditary Breast and Ovarian Cancer. Identifiers: Orphanet 145, MedGen C0677776, MeSH D061325, MONDO:0003582. Disease mechanism: loss of function.

Allele frequency attached by ClinVar (database versions not stated): gnomAD exomes below 0.00001; ExAC 0.00001.
gnomAD v4.1: 2 of 1,614,056 alleles (0.00012%); highest among the groups gnomAD compares: Non-Finnish European, 0.00017%; no homozygotes.

Submissions (5):

GeneDx
Classification: Uncertain significance. Last evaluated: 2023-09-07. Review status: criteria provided, single submitter. Criteria: GeneDx Variant Classification Process June 2021. Collection method: clinical testing. Allele origin: germline. Affected: yes.
Comment: Identified in an individual with triple-negative breast cancer (Santonocito et al., 2020); In silico analysis supports that this missense variant has a deleterious effect on protein structure/function; Not observed at significant frequency in large population cohorts (gnomAD); Also known as 2824A>G; This variant is associated with the following publications: (PMID: 29884841, 32377563, 32438681, 15343273)

University of Washington Department of Laboratory Medicine, University of Washington
Classification: Likely benign for Hereditary cancer-predisposing syndrome. Last evaluated: 2023-03-23. Review status: criteria provided, single submitter. Criteria: Dines et al. (Genet Med. 2020). Collection method: curation. Allele origin: germline.
Comment: Missense variant in a coldspot region where missense variants are very unlikely to be pathogenic (PMID:31911673).

BRCA1 coldspot (exon 11 using historical exon numbering). Reclassification based on statistical prior probability

Labcorp Genetics (formerly Invitae), Labcorp
Classification: Uncertain significance for Hereditary breast ovarian cancer syndrome. Last evaluated: 2022-10-31. Review status: criteria provided, single submitter. Criteria: Invitae Variant Classification Sherloc (09022015). Collection method: clinical testing. Allele origin: germline.
Comment: Advanced modeling of protein sequence and biophysical properties (such as structural, functional, and spatial information, amino acid conservation, physicochemical variation, residue mobility, and thermodynamic stability) performed at Invitae indicates that this missense variant is not expected to disrupt BRCA1 protein function. In summary, the available evidence is currently insufficient to determine the role of this variant in disease. Therefore, it has been classified as a Variant of Uncertain Significance. ClinVar contains an entry for this variant (Variation ID: 928778). This variant has not been reported in the literature in individuals affected with BRCA1-related conditions. This variant is present in population databases (rs747287311, gnomAD 0.0009%). This sequence change replaces glutamic acid, which is acidic and polar, with glycine, which is neutral and non-polar, at codon 902 of the BRCA1 protein (p.Glu902Gly).

Ambry Genetics
Classification: Uncertain significance for Hereditary cancer-predisposing syndrome. Last evaluated: 2022-10-14. Review status: criteria provided, single submitter. Criteria: Ambry Variant Classification Scheme 2023. Collection method: clinical testing. Allele origin: germline.
Comment: The p.E902G variant (also known as c.2705A>G), located in coding exon 9 of the BRCA1 gene, results from an A to G substitution at nucleotide position 2705. The glutamic acid at codon 902 is replaced by glycine, an amino acid with similar properties. This amino acid position is not well conserved in available vertebrate species. In addition, the in silico prediction for this alteration is inconclusive. Since supporting evidence is limited at this time, the clinical significance of this alteration remains unclear.

Women's Health and Genetics/Laboratory Corporation of America, LabCorp
Classification: Uncertain significance. Last evaluated: 2019-10-07. Review status: criteria provided, single submitter. Criteria: LabCorp Variant Classification Summary - May 2015. Collection method: clinical testing. Allele origin: germline.
Comment: Variant summary: BRCA1 c.2705A>G (p.Glu902Gly) results in a non-conservative amino acid change in the encoded protein sequence. Three of five in-silico tools predict a benign effect of the variant on protein function. The variant allele was found at a frequency of 4e-06 in 250894 control chromosomes. The available data on variant occurrences in the general population are insufficient to allow any conclusion about variant significance. To our knowledge, no occurrence of c.2705A>G in individuals affected with Hereditary Breast and Ovarian Cancer and no experimental evidence demonstrating its impact on protein function have been reported in literature. No clinical diagnostic laboratories have submitted clinical-significance assessments for this variant to ClinVar after 2014. Based on the evidence outlined above, the variant was classified as uncertain significance.

Literature cited by the submitters: PubMed 32438681 (cited by Ambry Genetics).

NM_007294.4(BRCA1):c.2705A>G (p.Glu902Gly)

Gene: BRCA1 (BRCA1 DNA repair associated; minus strand). Cytogenetic location: 17q21.31.
Variant type: single nucleotide variant.
Coding change: c.2705A>G on transcript NM_007294.4 (MANE Select); coding-DNA position 2705, A replaced by G.
Protein change: p.Glu902Gly; replaces glutamic acid 902 with glycine.
Molecular consequence: missense variant. On other transcripts: intron variant (137).
Genome position (GRCh38, 1-based): chr17:43,092,826, T>C on the plus strand (A>G on the coding strand, the complement: BRCA1 is on the minus strand). VCF-style: chr17-43092826-T-C. GRCh37 (hg19) VCF-style: chr17-41244843-T-C.
Other names: c.2705A>G, p.Glu902Gly (NM_001407585.1, NM_001407593.1, NM_001407594.1 and 30 more transcripts); c.2702A>G, p.Glu901Gly (NM_001407587.1, NM_001407590.1, NM_001407591.1 and 22 more transcripts); c.2696A>G, p.Glu899Gly (NM_001407646.1, NM_001407647.1); c.2582A>G, p.Glu861Gly (NM_001407648.1, NM_001407664.1, NM_001407665.1 and 19 more transcripts); c.2579A>G, p.Glu860Gly (NM_001407649.1, NM_001407670.1, NM_001407671.1 and 11 more transcripts); c.2627A>G, p.Glu876Gly (NM_001407653.1, NM_001407654.1, NM_001407655.1 and 4 more transcripts); c.2624A>G, p.Glu875Gly (NM_001407659.1, NM_001407660.1, NM_001407661.1 and 1 more transcripts); c.2564A>G, p.Glu855Gly (NM_001407692.1, NM_001407694.1, NM_001407695.1 and 29 more transcripts); and 41 more; short protein forms E855G, E902G, E774G, E790G, E814G, E832G, E901G, E606G.
Identifiers: ClinVar variation 928778 (VCV000928778.10), dbSNP rs747287311, ClinGen allele CA058365.